The following is an entry in ClinVar:

NM_001205293.3(CACNA1E):c.4605+4T>G

Gene: CACNA1E (calcium voltage-gated channel subunit alpha1 E; plus strand). Cytogenetic location: 1q25.3.
Variant type: single nucleotide variant.
Coding change: c.4605+4T>G on transcript NM_001205293.3 (MANE Select); 4 bases into the intron after coding-DNA position 4605, T replaced by G.
Molecular consequence: intron variant.
Genome position (GRCh38, 1-based): chr1:181,758,872, T>G. VCF-style: chr1-181758872-T-G. GRCh37 (hg19) VCF-style: chr1-181728008-T-G.
Other names: c.4605+4T>G (NM_000721.4); c.4548+4T>G (NM_001205294.2).
Identifiers: ClinVar variation 2766217 (VCV002766217.3), dbSNP rs2528997141, ClinGen allele CA2697554724.

ClinVar aggregate classification (germline): Uncertain significance (1 of 4 stars; one submission).

Submission:

Labcorp Genetics (formerly Invitae), Labcorp
Classification: Uncertain significance. Last evaluated: 2023-10-05. Review status: criteria provided, single submitter. Criteria: Invitae Variant Classification Sherloc (09022015). Collection method: clinical testing. Allele origin: germline.
Comment: This sequence change falls in intron 32 of the CACNA1E gene. It does not directly change the encoded amino acid sequence of the CACNA1E protein. It affects a nucleotide within the consensus splice site. This variant is not present in population databases (gnomAD no frequency). This variant has not been reported in the literature in individuals affected with CACNA1E-related conditions. Variants that disrupt the consensus splice site are a relatively common cause of aberrant splicing (PMID: 17576681, 9536098). Algorithms developed to predict the effect of sequence changes on RNA splicing suggest that this variant is not likely to affect RNA splicing. In summary, the available evidence is currently insufficient to determine the role of this variant in disease. Therefore, it has been classified as a Variant of Uncertain Significance.

Literature cited by the submitters: PubMed 17576681; PubMed 9536098.